The following is an entry in ClinVar:

ClinVar aggregate classification (germline): Uncertain significance (1 of 4 stars; one submission).

Submission:

Labcorp Genetics (formerly Invitae), Labcorp
Classification: Uncertain significance. Last evaluated: 2022-09-01. Review status: criteria provided, single submitter. Criteria: Invitae Variant Classification Sherloc (09022015). Collection method: clinical testing. Allele origin: germline.
Comment: In summary, the available evidence is currently insufficient to determine the role of this variant in disease. Therefore, it has been classified as a Variant of Uncertain Significance. Algorithms developed to predict the effect of missense changes on protein structure and function output the following: SIFT: "Deleterious"; PolyPhen-2: "Not Available"; Align-GVGD: "Class C25". The valine amino acid residue is found in multiple mammalian species, which suggests that this missense change does not adversely affect protein function. ClinVar contains an entry for this variant (Variation ID: 839894). This variant has not been reported in the literature in individuals affected with CDH23-related conditions. This variant is not present in population databases (gnomAD no frequency). This sequence change replaces isoleucine, which is neutral and non-polar, with valine, which is neutral and non-polar, at codon 411 of the CDH23 protein (p.Ile411Val).

NM_022124.6(CDH23):c.1231A>G (p.Ile411Val)

Gene: CDH23 (cadherin related 23; plus strand). Cytogenetic location: 10q22.1.
Variant type: single nucleotide variant.
Coding change: c.1231A>G on transcript NM_022124.6 (MANE Select); coding-DNA position 1231, A replaced by G.
Protein change: p.Ile411Val; replaces isoleucine 411 with valine.
Molecular consequence: missense variant.
Genome position (GRCh38, 1-based): chr10:71,645,921, A>G. VCF-style: chr10-71645921-A-G. GRCh37 (hg19) VCF-style: chr10-73405678-A-G.
Other names: c.1231A>G, p.Ile411Val (NM_001171930.2, NM_001171931.2, NM_052836.4); short protein forms I411V.
Identifiers: ClinVar variation 839894 (VCV000839894.9), dbSNP rs1862826814, ClinGen allele CA377127762.